The following is an entry in ClinVar:

NM_000152.5(GAA):c.189del (p.Arg66fs)

Gene: GAA (alpha glucosidase; plus strand). Cytogenetic location: 17q25.3.
Variant type: Deletion.
Coding change: c.189del on transcript NM_000152.5 (MANE Select); coding-DNA position 189, one base deleted (A; older notation c.189delA).
Protein change: p.Arg66fs; shifts the reading frame from arginine 66.
Molecular consequence: frameshift variant.
Genome position (GRCh38, 1-based): chr17:80,104,775, A deleted. VCF-style (leftmost placement, unchanged base first): chr17-80104774-CA-C. GRCh37 (hg19) VCF-style: chr17-78078573-CA-C.
Other names: c.189del, p.Arg66fs (NM_001079803.3, NM_001079804.3, NM_001406741.1 and 1 more transcripts); short protein forms R66fs.
Identifiers: ClinVar variation 4876676 (VCV004876676.1).

ClinVar aggregate classification (germline): Likely pathogenic (1 of 4 stars; one submission).

Conditions:
Glycogen storage disease, type II (IOPD). Also called: Pompe Disease; CARDIOMEGALIA GLYCOGENICA DIFFUSA; GLYCOGENOSIS, GENERALIZED, CARDIAC FORM; GSD II; POMPE DISEASE, INFANTILE-ONSET; GLYCOGEN STORAGE DISEASE II, INFANTILE-ONSET. Identifiers: Orphanet 365, MedGen C0017921, MONDO:0009290, OMIM 232300.

Submission:

Genomenon, Inc
Classification: Likely pathogenic for Glycogen storage disease, type II. Last evaluated: 2026-07-01. Review status: criteria provided, single submitter. Criteria: Genomenon Sequence Variant Interpretation Standards - Updated. Collection method: curation. Allele origin: germline. Affected: no.
Comment: GAA p.Arg66GlyfsTer76 (c.189del) is a frameshift variant that is predicted to introduce a premature termination codon and result in a truncated or absent protein product. This variant has been reported in the published literature (PMID:37530313). It is absent or not present at a significant frequency in gnomAD. In conclusion, we classify GAA p.Arg66GlyfsTer76 (c.189del) as a likely pathogenic variant.

Literature cited by the submitters: PubMed 37530313.